The following is an entry in ClinVar:

NM_006218.4(PIK3CA):c.1481A>G (p.Glu494Gly)

Gene: PIK3CA (phosphatidylinositol-4,5-bisphosphate 3-kinase catalytic subunit alpha; plus strand). Cytogenetic location: 3q26.32.
Variant type: single nucleotide variant.
Coding change: c.1481A>G on transcript NM_006218.4 (MANE Select); coding-DNA position 1481, A replaced by G.
Protein change: p.Glu494Gly; replaces glutamic acid 494 with glycine.
Molecular consequence: missense variant.
Genome position (GRCh38, 1-based): chr3:179,210,507, A>G. VCF-style: chr3-179210507-A-G. GRCh37 (hg19) VCF-style: chr3-178928295-A-G.
Other names: c.1481A>G (LRG_310t1); short protein forms E494G.
Identifiers: ClinVar variation 403908 (VCV000403908.9), dbSNP rs1060500027, ClinGen allele CA16611195.

ClinVar aggregate classification (germline): Uncertain significance (1 of 4 stars; one submission).

Conditions:
Cowden syndrome (CS). Also called: Cowden's disease; Cowden's syndrome; Cowden disease. Identifiers: Orphanet 201, MedGen C0018553, MONDO:0016063. Disease mechanism: gain of function.

Allele frequency attached by ClinVar (database versions not stated): gnomAD 0.00001; gnomAD exomes 0.00001.
gnomAD v4.1: 8 of 1,613,954 alleles (0.0005%); highest among the groups gnomAD compares: South Asian, 0.0033%; no homozygotes.

Submission:

Labcorp Genetics (formerly Invitae), Labcorp
Classification: Uncertain significance for Cowden syndrome. Last evaluated: 2025-10-01. Review status: criteria provided, single submitter. Criteria: Invitae Variant Classification Sherloc (09022015). Collection method: clinical testing. Allele origin: germline.
Comment: This sequence change replaces glutamic acid, which is acidic and polar, with glycine, which is neutral and non-polar, at codon 494 of the PIK3CA protein (p.Glu494Gly). This variant is present in population databases (no rsID available, gnomAD 0.003%). This variant has not been reported in the literature in individuals affected with PIK3CA-related conditions. ClinVar contains an entry for this variant (Variation ID: 403908). Invitae Evidence Modeling of protein sequence and biophysical properties (such as structural, functional, and spatial information, amino acid conservation, physicochemical variation, residue mobility, and thermodynamic stability) has been performed for this missense variant. However, the output from this modeling did not meet the statistical confidence thresholds required to predict the impact of this variant on PIK3CA protein function. In summary, the available evidence is currently insufficient to determine the role of this variant in disease. Therefore, it has been classified as a Variant of Uncertain Significance.